The following continues an entry in ClinVar:

NM_020975.6(RET):c.1852T>G (p.Cys618Gly)

Gene: RET. ClinVar aggregate classification (germline): Pathogenic. Pathogenic (14).

Submissions 8 to 15 of 15:

Victorian Clinical Genetics Services, Murdoch Childrens Research Institute
Classification: Pathogenic for Familial medullary thyroid carcinoma. Last evaluated: 2020-10-19. Review status: criteria provided, single submitter. Criteria: ACMG Guidelines, 2015. Collection method: clinical testing. Allele origin: germline. Inheritance: Autosomal dominant inheritance.
Comment: Based on the classification scheme VCGS_Germline_v1.3.3, this variant is classified as Pathogenic. Following criteria are met: 0103 - Loss of function and gain of function are known mechanisms of disease in this gene and are associated with Hirschsprung disease (MIM#142623) and medullary thyroid carcinoma (MTC) (MIM#155240), respectively (OMIM). (I) 0107 - This gene is associated with autosomal dominant disease. (I) 0112 - The condition associated with this gene has incomplete penetrance. Carriers of this variant may or may not develop MTC, it is regarded as high risk for disease onset (PMID: 29656518, OMIM). (I) 0115 - Variants in this gene are known to have variable expressivity, however these variants are more likely to cause Hirschsprung’s disease (OMIM). 0200 - Variant is predicted to result in a missense amino acid change from cysteine to glycine. (I) 0251 - This variant is heterozygous. (I) 0301 - Variant is absent from gnomAD (both v2 and v3). (SP) 0309 – Two alternative amino acid changes at the same position have been observed in gnomAD (v2) (highest allele count: 1 heterozygote, 0 homozygotes). (I) 0501 - Missense variant consistently predicted to be damaging by multiple in silico tools or highly conserved with a major amino acid change. (SP) 0602 - Variant is located in a hotspot region or cluster of pathogenic variants (Decipher). (SP) 0701 - Other missense variants comparable to the one identified in this case have very strong previous evidence for pathogenicity. Multiple alternative missense changes at codon 618 are reported as pathogenic (ClinVar), and it is described as the most commonly mutated residue in patients with familial MTC (PMID: 29656518). (SP) 0801 - This variant has strong previous evidence of pathogenicity in unrelated individuals. This variant has been reported as pathogenic, and observed in many individuals with multiple endocrine neoplasia or MTC (ClinVar, PMID: 29656518, PMID: 18058472). (SP) 1208 - Inheritance information for this variant is not currently available in this individual. (I) Legend: (SP) - Supporting pathogenic, (I) - Information, (SB) - Supporting benign

ARUP Laboratories, Molecular Genetics and Genomics, ARUP Laboratories
Classification: Pathogenic. Last evaluated: 2019-12-08. Review status: criteria provided, single submitter. Criteria: ARUP Molecular Germline Variant Investigation Process. Collection method: clinical testing. Allele origin: germline.
Comment: The RET c.1852T>G; p.Cys618Gly variant (rs76262710), also known in the literature as Cys364Gly, has been reported in several families with multiple endocrine neoplasia type 2A (MEN2A) and/or familial medullary thyroid carcinoma (FMTC) (Frank-Raue 2011, Heizmann 2006, Machens 2008, Mulligan 1993, Paszko 2007, Romei 2010, Quayle 2007). Functional assays show the variant to have transforming activity and results in decreased cell surface expression (Ito 1997). This variant is reported as pathogenic by multiple laboratories in ClinVar (Variation ID: 13905), and is absent from general population databases (1000 Genomes Project, Exome Variant Server, Genome Aggregation Database). The cysteine at codon 618 is highly conserved, and computational algorithms (SIFT, PolyPhen2, MutationTaster) predict this variant to be damaging to the protein. Taken together, this variant is considered pathogenic. References: Frank-Raue K et al. Risk profiles and penetrance estimations in multiple endocrine neoplasia type 2A caused by germline RET mutations located in exon 10. Hum Mutat. 2011 Jan;32(1):51-8. Heizmann O et al. Presymptomatic thyroidectomy in multiple endocrine neoplasia 2a. Eur J Surg Oncol. 2006 Feb;32(1):98-102. Ito S et al. Biological properties of Ret with cysteine mutations correlate with multiple endocrine neoplasia type 2A, familial medullary thyroid carcinoma, and Hirschsprung's disease phenotype. Cancer Res. 1997 Jul 15;57(14):2870-2. Machens A et al. Familial prevalence and age of RET germline mutations: implications for screening. Clin Endocrinol (Oxf). 2008 Jul;69(1):81-7. Mulligan LM et al. Germ-line mutations of the RET proto-oncogene in multiple endocrine neoplasia type 2A. Nature. 1993 Jun 3;363(6428):458-60. Paszko Z et al. The occurrence and the type of germline mutations in the RET gene in patients with medullary thyroid carcinoma and their unaffected kindred's from Central Poland. Cancer Invest. 2007 Dec;25(8):742-9. Romei C et al. Multiple endocrine neoplasia type 2 syndromes (MEN 2): results from the ItaMEN network analysis on the prevalence of different genotypes and phenotypes. Eur J Endocrinol. 2010 Aug;163(2):301-8. Quayle FJ et al. Pheochromocytoma penetrance varies by RET mutation in MEN 2A. Surgery. 2007 Dec;142(6):800-5; discussion 805.e1.

Clinical Molecular Genetics Laboratory, Johns Hopkins All Children's Hospital
Classification: Pathogenic for Multiple endocrine neoplasia, type 2a. Last evaluated: 2019-02-06. Review status: criteria provided, single submitter. Criteria: ACMG Guidelines, 2015. Collection method: clinical testing. Allele origin: germline. Affected: yes.

Fulgent Genetics
Classification: Pathogenic for Hirschsprung disease, susceptibility to, 1; Familial medullary thyroid carcinoma; Multiple endocrine neoplasia type 2B; Pheochromocytoma; Multiple endocrine neoplasia type 2A; Central hypoventilation syndrome, congenital, 1, with or without Hirschsprung disease. Last evaluated: 2018-10-31. Review status: criteria provided, single submitter. Criteria: ACMG Guidelines, 2015. Collection method: clinical testing. Allele origin: unknown.

Eurofins Ntd Llc (ga)
Classification: Pathogenic. Last evaluated: 2018-07-12. Review status: criteria provided, single submitter. Criteria: EGL ClinVar v180209 classification definitions. Collection method: clinical testing. Allele origin: germline. Observed: 1 variant allele, 1 heterozygote.

Clinical Genetics and Genomics, Karolinska University Hospital
Classification: Pathogenic. Last evaluated: 2014-10-14. Review status: criteria provided, single submitter. Criteria: ACMG Guidelines, 2015. Collection method: clinical testing. Allele origin: germline. Affected: yes. Observed: 6 variant alleles.

Quest Diagnostics Nichols Institute San Juan Capistrano
Classification: Pathogenic. Last evaluated: 2013-11-04. Review status: criteria provided, single submitter. Criteria: Quest Diagnostics criteria. Collection method: clinical testing. Allele origin: unknown.
Comment: This variant has not been reported in large, multi-ethnic general populations. In the published literature, the variant has been reported in individuals with medullary thyroid cancer and pheochromocytoma (PMIDs: 8099202 (1993), 18058472 (2007), 18062802 (2008), 20516206 (2010), 24794695 (2014), 27207748 (2016), as well as in an individual with Hirschsprung's disease (PMID: 20041006 (2009)). A functional study found reduced cell surface expression (PMID: 9230192 (1997)). Analysis of this variant using bioinformatics tools for the prediction of the effect of amino acid changes on protein structure and function yielded predictions that this variant is damaging. Based on the available information, this variant is classified as pathogenic.

OMIM
Classification: Pathogenic for MULTIPLE ENDOCRINE NEOPLASIA, TYPE IIA. Last evaluated: 1994-01-01. Review status: no assertion criteria provided. Collection method: literature only. Allele origin: germline. Not counted in ClinVar's aggregate classification.

Literature cited by the submitters: PubMed 8099202 (cited by 7 submitters); PubMed 8626834 (cited by 3 submitters); PubMed 9868860 (cited by Color Diagnostics, LLC DBA Color Health and Women's Health and Genetics/Laboratory Corporation of America, LabCorp); PubMed 11238493 (cited by Color Diagnostics, LLC DBA Color Health and Women's Health and Genetics/Laboratory Corporation of America, LabCorp); PubMed 16325365 (cited by Color Diagnostics, LLC DBA Color Health and Eurofins Ntd Llc (ga)); PubMed 18058472 (cited by 5 submitters); PubMed 18063059 (cited by 6 submitters); PubMed 20516206 (cited by 3 submitters); PubMed 20979234 (cited by 6 submitters); PubMed 33603219 (cited by Color Diagnostics, LLC DBA Color Health); PubMed 18062802 (cited by 3 submitters); PubMed 20041006 (cited by Labcorp Genetics (formerly Invitae), Labcorp and Quest Diagnostics Nichols Institute San Juan Capistrano); PubMed 7824936 (cited by Labcorp Genetics (formerly Invitae), Labcorp); PubMed 9174404 (cited by Labcorp Genetics (formerly Invitae), Labcorp); PubMed 9230192 (cited by 4 submitters); PubMed 9879991 (cited by Labcorp Genetics (formerly Invitae), Labcorp); PubMed 7835899 (cited by Labcorp Genetics (formerly Invitae), Labcorp and Ambry Genetics); PubMed 7915165 (cited by Labcorp Genetics (formerly Invitae), Labcorp); PubMed 9498388 (cited by Labcorp Genetics (formerly Invitae), Labcorp); PubMed 9839497 (cited by Labcorp Genetics (formerly Invitae), Labcorp); PubMed 15858153 (cited by Labcorp Genetics (formerly Invitae), Labcorp); PubMed 29656518 (cited by Myriad Genetics, Inc. and Victorian Clinical Genetics Services, Murdoch Childrens Research Institute); PubMed 33827484 (cited by Myriad Genetics, Inc.); PubMed 24064755 (cited by Myriad Genetics, Inc.); PubMed 25810047 (cited by Myriad Genetics, Inc. and Ambry Genetics); PubMed 9067749 (cited by Women's Health and Genetics/Laboratory Corporation of America, LabCorp); PubMed 16849421 (cited by Women's Health and Genetics/Laboratory Corporation of America, LabCorp); PubMed 17590169 (cited by Women's Health and Genetics/Laboratory Corporation of America, LabCorp); PubMed 17384210 (cited by Women's Health and Genetics/Laboratory Corporation of America, LabCorp); PubMed 16532227 (cited by Women's Health and Genetics/Laboratory Corporation of America, LabCorp); PubMed 17704047 (cited by Women's Health and Genetics/Laboratory Corporation of America, LabCorp); PubMed 17605401 (cited by Women's Health and Genetics/Laboratory Corporation of America, LabCorp); PubMed 3078962 (cited by Women's Health and Genetics/Laboratory Corporation of America, LabCorp and OMIM); PubMed 22747440 (cited by Quest Diagnostics Nichols Institute San Juan Capistrano); PubMed 27207748 (cited by Quest Diagnostics Nichols Institute San Juan Capistrano); PubMed 24794695 (cited by Quest Diagnostics Nichols Institute San Juan Capistrano); PubMed 22811860 (cited by Quest Diagnostics Nichols Institute San Juan Capistrano); PubMed 7907913 (cited by OMIM).